The following is an entry in ClinVar:

ClinVar aggregate classification (germline): Uncertain significance (1 of 4 stars; one submission).

Conditions:
CEP164-related disorder. Also called: CEP164-related condition.

gnomAD v4.1: 3 of 964,890 alleles (0.00031%); highest among the groups gnomAD compares: African/African-American, 0.0035%; no homozygotes.

Submission:

PreventionGenetics, part of Exact Sciences
Classification: Uncertain significance for CEP164-related condition. Last evaluated: 2026-08-28. Review status: criteria provided, single submitter. Criteria: ACMG Guidelines, 2015. Collection method: clinical testing. Allele origin: germline.
Comment: The CEP164 c.3205T>C variant is predicted to result in the amino acid substitution p.Ser1069Pro. To our knowledge, this variant has not been reported in the literature or in a large population database (gnomAD), indicating this variant is rare. At this time, the clinical significance of this variant is uncertain due to the absence of conclusive functional and genetic evidence.

NM_014956.5(CEP164):c.3205T>C (p.Ser1069Pro)

Gene: CEP164 (centrosomal protein 164; plus strand). Cytogenetic location: 11q23.3.
Variant type: single nucleotide variant.
Coding change: c.3205T>C on transcript NM_014956.5 (MANE Select); coding-DNA position 3205, T replaced by C.
Protein change: p.Ser1069Pro; replaces serine 1069 with proline.
Molecular consequence: missense variant.
Genome position (GRCh38, 1-based): chr11:117,396,169, T>C. VCF-style: chr11-117396169-T-C. GRCh37 (hg19) VCF-style: chr11-117266885-T-C.
Other names: c.3214T>C, p.Ser1072Pro (NM_001271933.2); c.3211T>C, p.Ser1071Pro (NM_001440949.1); c.3205T>C, p.Ser1069Pro (NM_001440950.1, NM_001440951.1, NM_001440953.1); c.3037T>C, p.Ser1013Pro (NM_001440952.1, NM_001440969.1); c.3127T>C, p.Ser1043Pro (NM_001440954.1, NM_001440955.1, NM_001440958.1 and 1 more transcripts); c.3118T>C, p.Ser1040Pro (NM_001440956.1); c.3115T>C, p.Ser1039Pro (NM_001440957.1); c.3076T>C, p.Ser1026Pro (NM_001440960.1); and 13 more; short protein forms S1016P, S1071P, S949P, S950P, S1019P, S1020P, S944P, S1023P.
Identifiers: ClinVar variation 4980738 (VCV004980738.1).